The following is an entry in ClinVar:

ClinVar aggregate classification (germline): Uncertain significance. Review status: criteria provided, multiple submitters, no conflicts (2 of 4 stars). 2 submissions from 2 submitters: Uncertain significance (2). Last evaluated 2022-09-30.

Allele frequency attached by ClinVar (database versions not stated): gnomAD exomes 0.00001; gnomAD 0.00003; TOPMed 0.00002.
gnomAD v4.1: 22 of 1,614,054 alleles (0.0014%); highest among the groups gnomAD compares: African/African-American, 0.0053%; no homozygotes.

Submissions (2):

Labcorp Genetics (formerly Invitae), Labcorp
Classification: Uncertain significance. Last evaluated: 2022-09-30. Review status: criteria provided, single submitter. Criteria: Invitae Variant Classification Sherloc (09022015). Collection method: clinical testing. Allele origin: germline.
Comment: This sequence change replaces isoleucine, which is neutral and non-polar, with valine, which is neutral and non-polar, at codon 64 of the TJP2 protein (p.Ile64Val). This variant is present in population databases (no rsID available, gnomAD 0.005%). This variant has not been reported in the literature in individuals affected with TJP2-related conditions. ClinVar contains an entry for this variant (Variation ID: 1305301). Algorithms developed to predict the effect of missense changes on protein structure and function are either unavailable or do not agree on the potential impact of this missense change (SIFT: "Tolerated"; PolyPhen-2: "Probably Damaging"; Align-GVGD: "Class C0"). In summary, the available evidence is currently insufficient to determine the role of this variant in disease. Therefore, it has been classified as a Variant of Uncertain Significance.

GeneDx
Classification: Uncertain significance. Last evaluated: 2019-04-24. Review status: criteria provided, single submitter. Criteria: GeneDx Variant Classification Process June 2021. Collection method: clinical testing. Allele origin: germline. Affected: yes.
Comment: In silico analysis, which includes protein predictors and evolutionary conservation, supports that this variant does not alter protein structure/function; Has not been previously published as pathogenic or benign to our knowledge

NM_004817.4(TJP2):c.190A>G (p.Ile64Val)

Gene: TJP2 (tight junction protein 2; plus strand). Cytogenetic location: 9q21.11.
Variant type: single nucleotide variant.
Coding change: c.190A>G on transcript NM_004817.4 (MANE Select); coding-DNA position 190, A replaced by G.
Protein change: p.Ile64Val; replaces isoleucine 64 with valine.
Molecular consequence: missense variant.
Genome position (GRCh38, 1-based): chr9:69,216,414, A>G. VCF-style: chr9-69216414-A-G. GRCh37 (hg19) VCF-style: chr9-71831330-A-G.
Other names: c.121A>G, p.Ile41Val (NM_001170414.2, NM_001369870.1, NM_001369871.1); c.202A>G, p.Ile68Val (NM_001170415.1, NM_001369874.1, NM_001369875.1); c.283A>G, p.Ile95Val (NM_001170416.2); c.190A>G, p.Ile64Val (NM_001369872.1, NM_001369873.1, NM_201629.3); short protein forms I41V, I64V, I68V, I95V.
Identifiers: ClinVar variation 1305301 (VCV001305301.6), dbSNP rs1400260492, ClinGen allele CA373526170.